The following is an entry in ClinVar:

ClinVar aggregate classification (germline): Likely benign (1 of 4 stars; one submission).

Allele frequency attached by ClinVar (database versions not stated): 1000 Genomes Project 30x 0.00031; 1000 Genomes Project 0.00040; ESP Exome Variant Server 0.00088; gnomAD 0.00121; TOPMed 0.00136; ExAC 0.00180.
gnomAD v4.1: 1,073 of 1,551,536 alleles (0.069%); highest among the groups gnomAD compares: Middle Eastern, 0.68%; 4 homozygotes.

Submission:

CeGaT Center for Human Genetics Tuebingen
Classification: Likely benign. Last evaluated: 2023-04-01. Review status: criteria provided, single submitter. Criteria: CeGaT Center For Human Genetics Tuebingen Variant Classification Criteria Version 2. Collection method: clinical testing. Allele origin: germline. Affected: yes. Observed: 2 variant alleles.
Comment: HHLA1: BP4, BP7

NM_001145095.3(HHLA1):c.1080C>T (p.Thr360=)

Gene: HHLA1 (HHLA1 neighbor of OC90; minus strand). Cytogenetic location: 8q24.22.
Variant type: single nucleotide variant.
Coding change: c.1080C>T on transcript NM_001145095.3 (MANE Select); coding-DNA position 1080, C replaced by T.
Protein change: p.Thr360=; no amino-acid change (threonine 360 retained).
Molecular consequence: synonymous variant.
Genome position (GRCh38, 1-based): chr8:132,077,817, G>A on the plus strand (C>T on the coding strand, the complement: HHLA1 is on the minus strand). VCF-style: chr8-132077817-G-A. GRCh37 (hg19) VCF-style: chr8-133090064-G-A.
Identifiers: ClinVar variation 2658820 (VCV002658820.24), dbSNP rs199597637, ClinGen allele CA4880169.